The following is an entry in ClinVar:

ClinVar aggregate classification (germline): Uncertain significance (1 of 4 stars; one submission).

Conditions:
EDN3-related disorder. Also called: EDN3-related condition.

Submission:

PreventionGenetics, part of Exact Sciences
Classification: Uncertain significance for EDN3-related condition. Last evaluated: 2025-07-15. Review status: criteria provided, single submitter. Criteria: ACMG Guidelines, 2015. Collection method: clinical testing. Allele origin: germline.
Comment: The EDN3 c.49G>T variant is predicted to result in the amino acid substitution p.Ala17Ser. To our knowledge, this variant has not been reported in the literature. This variant is reported in 0.0052% of alleles in individuals of East Asian descent in gnomAD. At this time, the clinical significance of this variant is uncertain due to the absence of conclusive functional and genetic evidence.

NM_207034.3(EDN3):c.49G>T (p.Ala17Ser)

Gene: EDN3 (endothelin 3; plus strand). Cytogenetic location: 20q13.32.
Variant type: single nucleotide variant.
Coding change: c.49G>T on transcript NM_207034.3 (MANE Select); coding-DNA position 49, G replaced by T.
Protein change: p.Ala17Ser; replaces alanine 17 with serine.
Molecular consequence: missense variant.
Genome position (GRCh38, 1-based): chr20:59,300,861, G>T. VCF-style: chr20-59300861-G-T. GRCh37 (hg19) VCF-style: chr20-57875916-G-T.
Other names: c.49G>T, p.Ala17Ser (NM_001302455.2, NM_001302456.2, NM_001424361.1 and 4 more transcripts); short protein forms A17S.
Identifiers: ClinVar variation 4979124 (VCV004979124.1).